The following is an entry in ClinVar:

NM_015506.3(MMACHC):c.614dup (p.Tyr205Ter)

Genes: MMACHC (metabolism of cobalamin associated C; plus strand), LOC129930446 (ATAC-STARR-seq lymphoblastoid active region 972; plus strand). Cytogenetic location: 1p34.1.
Variant type: Duplication.
Coding change: c.614dup on transcript NM_015506.3 (MANE Select); coding-DNA position 614, one base duplicated (A; older notation c.614dupA).
Protein change: p.Tyr205Ter; replaces tyrosine 205 with a stop codon.
Molecular consequence: nonsense.
Genome position (GRCh38, 1-based): chr1:45,508,980, A duplicated. VCF-style (leftmost placement, unchanged base first): chr1-45508979-T-TA. GRCh37 (hg19) VCF-style: chr1-45974651-T-TA.
Other names: c.443dup, p.Tyr148Ter (NM_001330540.2); short protein forms Y148*, Y205*.
Identifiers: ClinVar variation 2818364 (VCV002818364.5), dbSNP rs1383465849, ClinGen allele CA736191778.
Genomic context (GRCh38, chr1:45,508,979, plus strand): 5'-ACAAGAGCTGACCGTATCGCCCTACTCGAAGGCTTCAATTTCCACTGGCGTGATTGGACT[T>TA]ACCGGGATGCTGTGACACCCCAGGAGCGCTACTCAGAAGAGCAGAAGGCCTACTTCTCCA-3'

ClinVar aggregate classification (germline): Pathogenic (1 of 4 stars; one submission).

Conditions:
Cobalamin C disease. Also called: Methylmalonic aciduria and homocystinuria, Vitamin B12-responsive; Vitamin B12 metabolic defect with combined deficiency of methylmalonyl-CoA mutase and homocysteine:methyltetrahydrofolate methyltransferase; Cobalamin-C methylmalonic acidemia and homocystinuria; Methylmalonic acidemia and homocystinuria cblC type; methylmalonic aciduria and homocystinuria type cblC; Methylmalonic aciduria with homocystinuria cblC type. Identifiers: Orphanet 26, Orphanet 79282, MedGen C1848561, MONDO:0010184, OMIM 277400.

Allele frequency attached by ClinVar (database versions not stated): TOPMed below 0.00001.

Submission:

Labcorp Genetics (formerly Invitae), Labcorp
Classification: Pathogenic for Cobalamin C disease. Last evaluated: 2022-12-05. Review status: criteria provided, single submitter. Criteria: Invitae Variant Classification Sherloc (09022015). Collection method: clinical testing. Allele origin: germline.
Comment: This sequence change creates a premature translational stop signal (p.Tyr205*) in the MMACHC gene. While this is not anticipated to result in nonsense mediated decay, it is expected to disrupt the last 78 amino acid(s) of the MMACHC protein. This variant is not present in population databases (gnomAD no frequency). A different variant (c.615C>G ) giving rise to the same protein effect has been determined to be pathogenic (PMID: 16311595, 25388550). This suggests that this variant is also likely to be causative of disease. This variant disrupts a region of the MMACHC protein in which other variant(s) (p.Tyr222*) have been determined to be pathogenic (PMID: 16311595, 19767224, 30157807). This suggests that this is a clinically significant region of the protein, and that variants that disrupt it are likely to be disease-causing. For these reasons, this variant has been classified as Pathogenic.

Literature cited by the submitters: PubMed 16311595; PubMed 25388550; PubMed 19767224; PubMed 30157807.